The following is an entry in ClinVar:

NM_001267550.2(TTN):c.14935+10G>A

Gene: TTN (titin; minus strand). Cytogenetic location: 2q31.2.
Variant type: single nucleotide variant.
Coding change: c.14935+10G>A on transcript NM_001267550.2 (MANE Select); 10 bases into the intron after coding-DNA position 14935, G replaced by A.
Molecular consequence: intron variant.
Genome position (GRCh38, 1-based): chr2:178,735,501, C>T on the plus strand (G>A on the coding strand, the complement: TTN is on the minus strand). VCF-style: chr2-178735501-C-T. GRCh37 (hg19) VCF-style: chr2-179600228-C-T.
Other names: c.13282+2581G>A (NM_003319.4); c.13858+2581G>A (NM_133437.4); c.13657+2581G>A (NM_133432.3); c.11203+10G>A (NM_133378.4); c.13984+10G>A (NM_001256850.1).
Identifiers: ClinVar variation 789412 (VCV000789412.12), dbSNP rs148215787, ClinGen allele CA2002324.

ClinVar aggregate classification (germline): Likely benign. Review status: criteria provided, multiple submitters, no conflicts (2 of 4 stars). 2 submissions from 2 submitters: Likely benign (2). Last evaluated 2025-12-16.

Conditions:
Autosomal recessive limb-girdle muscular dystrophy type 2J (LGMDR10). Also called: Limb-girdle muscular dystrophy, type 2J; MUSCULAR DYSTROPHY, LIMB-GIRDLE, AUTOSOMAL RECESSIVE 10. Identifiers: Orphanet 140922, MedGen C1837342, MONDO:0012127, OMIM 608807.
Dilated cardiomyopathy 1G (CMD1G). Identifiers: Orphanet 154, MedGen C1858763, MONDO:0011400, OMIM 604145.
TTN-related disorder. Also called: TTN-related disorders; TTN-related condition; TTN-related disease.

Allele frequency attached by ClinVar (database versions not stated): gnomAD 0.00002 and 0.00003; TOPMed 0.00003; ExAC 0.00004; 1000 Genomes Project 30x 0.00031; 1000 Genomes Project 0.00040.
gnomAD v4.1: 21 of 1,545,032 alleles (0.0014%); highest among the groups gnomAD compares: Middle Eastern, 0.018%; no homozygotes.

Submissions (2):

PreventionGenetics, part of Exact Sciences
Classification: Likely benign for TTN-related condition. Last evaluated: 2025-12-16. Review status: criteria provided, single submitter. Criteria: ACMG Guidelines, 2015. Collection method: clinical testing. Allele origin: germline.
Comment: This variant is classified as likely benign based on ACMG/AMP sequence variant interpretation guidelines (Richards et al. 2015 PMID: 25741868, with internal and published modifications).

Labcorp Genetics (formerly Invitae), Labcorp
Classification: Likely benign for Dilated cardiomyopathy 1G; Autosomal recessive limb-girdle muscular dystrophy type 2J. Last evaluated: 2025-05-26. Review status: criteria provided, single submitter. Criteria: Invitae Variant Classification Sherloc (09022015). Collection method: clinical testing. Allele origin: germline.